The following is an entry in ClinVar:

ClinVar aggregate classification (germline): Uncertain significance. Review status: criteria provided, multiple submitters, no conflicts (2 of 4 stars). 5 submissions from 5 submitters: Uncertain significance (5). Last evaluated 2024-03-06.

Conditions:
Hereditary cancer-predisposing syndrome. Also called: Hereditary Cancer Syndrome; Neoplastic Syndromes, Hereditary; Hereditary neoplastic syndrome; Tumor predisposition. Identifiers: Orphanet 140162, MedGen C0027672, MeSH D009386, MONDO:0015356.
Microcephaly, normal intelligence and immunodeficiency (NBS). Also called: Nijmegen breakage syndrome; Microcephaly with normal intelligence immunodeficiency and lymphoreticular malignancies; Nonsyndromal microcephaly autosomal recessive with normal intelligence; Seemanova syndrome 2; Immunodeficiency, microcephaly with normal intelligence; Ataxia telangiectasia variant V1. Identifiers: Orphanet 647, MedGen C0398791, MONDO:0009623, OMIM 251260.
Aplastic anemia. Identifiers: Orphanet 182040, Orphanet 88, MedGen C0002874, MONDO:0015909, OMIM 609135, HP:0001915.

Submissions (5):

Baylor Genetics
Classification: Uncertain significance for Aplastic anemia. Last evaluated: 2024-03-06. Review status: criteria provided, single submitter. Criteria: ACMG Guidelines, 2015. Collection method: clinical testing. Allele origin: unknown.

Labcorp Genetics (formerly Invitae), Labcorp
Classification: Uncertain significance for Microcephaly, normal intelligence and immunodeficiency. Last evaluated: 2023-06-11. Review status: criteria provided, single submitter. Criteria: Invitae Variant Classification Sherloc (09022015). Collection method: clinical testing. Allele origin: germline.
Comment: In summary, the available evidence is currently insufficient to determine the role of this variant in disease. Therefore, it has been classified as a Variant of Uncertain Significance. An algorithm developed to predict the effect of missense changes on protein structure and function (PolyPhen-2) suggests that this variant is likely to be tolerated. ClinVar contains an entry for this variant (Variation ID: 819193). This variant has not been reported in the literature in individuals affected with NBN-related conditions. This variant is not present in population databases (gnomAD no frequency). This sequence change replaces serine, which is neutral and polar, with proline, which is neutral and non-polar, at codon 477 of the NBN protein (p.Ser477Pro).

Sema4
Classification: Uncertain significance for Hereditary cancer-predisposing syndrome. Last evaluated: 2021-12-21. Review status: criteria provided, single submitter. Criteria: Sema4 Curation Guidelines. Collection method: curation. Allele origin: germline.
Comment: The NBN c.1429T>C (p.S477P) variant has been reported in a large case-control study of breast cancer in 1/60466 cases and 0/53461 controls (PMID: 33471991). It was not observed in the large and broad cohorts of the Genome Aggregation Database (PMID: 32461654). This variant has been reported in ClinVar (Variation ID: 819193). In silico tools suggest the impact of the variant on protein function is benign, though these predictions have not been confirmed by functional studies. The evidence is insufficient to meet ACMG/AMP criteria for classifying the variant as benign or pathogenic. Thus, the clinical significance of this variant is currently uncertain.

Genome-Nilou Lab
Classification: Uncertain significance for Microcephaly, normal intelligence and immunodeficiency. Last evaluated: 2021-11-07. Review status: criteria provided, single submitter. Criteria: ACMG Guidelines, 2015. Collection method: clinical testing. Allele origin: germline. Affected: no.

Ambry Genetics
Classification: Uncertain significance for Hereditary cancer-predisposing syndrome. Last evaluated: 2021-09-15. Review status: criteria provided, single submitter. Criteria: Ambry Variant Classification Scheme 2023. Collection method: clinical testing. Allele origin: germline.
Comment: The p.S477P variant (also known as c.1429T>C), located in coding exon 11 of the NBN gene, results from a T to C substitution at nucleotide position 1429. The serine at codon 477 is replaced by proline, an amino acid with similar properties. This amino acid position is not well conserved in available vertebrate species. In addition, this alteration is predicted to be tolerated by in silico analysis. Since supporting evidence is limited at this time, the clinical significance of this alteration remains unclear.

Literature cited by the submitters: PubMed 33471991 (cited by Sema4).

NM_002485.5(NBN):c.1429T>C (p.Ser477Pro)

Gene: NBN (nibrin; minus strand). Cytogenetic location: 8q21.3.
Variant type: single nucleotide variant.
Coding change: c.1429T>C on transcript NM_002485.5 (MANE Select); coding-DNA position 1429, T replaced by C.
Protein change: p.Ser477Pro; replaces serine 477 with proline.
Molecular consequence: missense variant.
Genome position (GRCh38, 1-based): chr8:89,953,660, A>G on the plus strand (T>C on the coding strand, the complement: NBN is on the minus strand). VCF-style: chr8-89953660-A-G. GRCh37 (hg19) VCF-style: chr8-90965888-A-G.
Other names: c.1183T>C, p.Ser395Pro (NM_001024688.3); short protein forms S395P, S477P.
Identifiers: ClinVar variation 819193 (VCV000819193.15), dbSNP rs1586054780, ClinGen allele CA371655866.
Genomic context (GRCh38, chr8:89,953,660, plus strand): 5'-TAGCAGGTTGTGTTTGTTCTAAAAGAGAACAAGACGTTTCTATTCTTGCTGATTTGCATG[A>G]AGACATTTCTTGATTTTCTTCATCCCTTTCCCTTAGATTTAAAAAAAAAGAAGAAAACAA-3'
Protein context (NP_002476.2, residues 467-487): ERDEENQEMS[Ser477Pro]CKSARIETSC